The following is an entry in ClinVar:

NM_001379500.1(COL18A1):c.107-12195G>A

Gene: COL18A1 (collagen type XVIII alpha 1 chain; plus strand). Cytogenetic location: 21q22.3.
Variant type: single nucleotide variant.
Coding change: c.107-12195G>A on transcript NM_001379500.1 (MANE Select); 12195 bases into the intron before coding-DNA position 107, G replaced by A.
Molecular consequence: intron variant. On other transcripts: missense variant (2).
Genome position (GRCh38, 1-based): chr21:45,456,047, G>A. VCF-style: chr21-45456047-G-A. GRCh37 (hg19) VCF-style: chr21-46875961-G-A.
Other names: NM_130445.2:c.107-12195G>A; c.517G>A, p.Gly173Ser (NM_030582.4, NM_130444.3); short protein forms G173S.
Identifiers: ClinVar variation 218803 (VCV000218803.39), dbSNP rs62000960, ClinGen allele CA248980.

ClinVar aggregate classification (germline): Conflicting classifications of pathogenicity. Review status: criteria provided, conflicting classifications (1 of 4 stars). 8 submissions from 8 submitters: Uncertain significance (1); Benign (1); Likely benign (3). 3 of the submissions do not count toward it. Last evaluated 2026-07-01.

Conditions:
Inborn genetic diseases. Identifiers: MedGen C0950123, MeSH D030342.
COL18A1-related disorder. Also called: COL18A1-related disorders; COL18A1-related condition.

Allele frequency attached by ClinVar (database versions not stated): 1000 Genomes Project 30x 0.00125; 1000 Genomes Project 0.00160; TOPMed 0.00258; ESP Exome Variant Server 0.00269.
gnomAD v4.1: 4,441 of 1,607,924 alleles (0.28%); highest among the groups gnomAD compares: Middle Eastern, 0.94%; 14 homozygotes.

Submissions (8):

CeGaT Center for Human Genetics Tuebingen
Classification: Likely benign. Last evaluated: 2026-07-01. Review status: criteria provided, single submitter. Criteria: CeGaT Center For Human Genetics Tuebingen Variant Classification Criteria Version 2. Collection method: clinical testing. Allele origin: germline. Affected: yes. Observed: 8 variant alleles.
Comment: COL18A1: BP4, BS2

Labcorp Genetics (formerly Invitae), Labcorp
Classification: Benign. Last evaluated: 2026-01-27. Review status: criteria provided, single submitter. Criteria: Invitae Variant Classification Sherloc (09022015). Collection method: clinical testing. Allele origin: germline.

Blueprint Genetics
Classification: Likely benign. Last evaluated: 2024-11-15. Review status: criteria provided, single submitter. Criteria: ACMG Guidelines, 2015. Collection method: clinical testing. Allele origin: germline.

Ambry Genetics
Classification: Likely benign for Inborn genetic diseases. Last evaluated: 2022-09-29. Review status: criteria provided, single submitter. Criteria: Ambry Variant Classification Scheme 2023. Collection method: clinical testing. Allele origin: germline.

Genomic Diagnostic Laboratory, Division of Genomic Diagnostics, Children's Hospital of Philadelphia
Classification: Uncertain significance. Last evaluated: 2014-12-31. Review status: criteria provided, single submitter. Criteria: DGD Variant Analysis Guidelines. Collection method: clinical testing. Allele origin: unknown.

PreventionGenetics, part of Exact Sciences
Classification: Likely benign for COL18A1-related condition. Last evaluated: 2022-01-28. Review status: no assertion criteria provided. Collection method: clinical testing. Allele origin: germline. Not counted in ClinVar's aggregate classification.
Comment: This variant is classified as likely benign based on ACMG/AMP sequence variant interpretation guidelines (Richards et al. 2015 PMID: 25741868, with internal and published modifications).

Clinical Genetics DNA and cytogenetics Diagnostics Lab, Erasmus MC, Erasmus Medical Center
Classification: Likely benign. Review status: no assertion criteria provided. Collection method: clinical testing. Allele origin: germline. Affected: yes. Study: VKGL Data-share Consensus. Not counted in ClinVar's aggregate classification.

Laboratory of Diagnostic Genome Analysis, Leiden University Medical Center (LUMC)
Classification: Likely benign. Review status: no assertion criteria provided. Collection method: clinical testing. Allele origin: germline. Affected: yes. Study: VKGL Data-share Consensus. Not counted in ClinVar's aggregate classification.